The following is an entry in ClinVar:

NM_000069.3(CACNA1S):c.2222T>C (p.Phe741Ser)

Gene: CACNA1S (calcium voltage-gated channel subunit alpha1 S; minus strand). Cytogenetic location: 1q32.1.
Variant type: single nucleotide variant.
Coding change: c.2222T>C on transcript NM_000069.3 (MANE Select); coding-DNA position 2222, T replaced by C.
Protein change: p.Phe741Ser; replaces phenylalanine 741 with serine.
Molecular consequence: missense variant.
Genome position (GRCh38, 1-based): chr1:201,072,760, A>G on the plus strand (T>C on the coding strand, the complement: CACNA1S is on the minus strand). VCF-style: chr1-201072760-A-G. GRCh37 (hg19) VCF-style: chr1-201041888-A-G.
Other names: short protein forms F741S.
Identifiers: ClinVar variation 2929447 (VCV002929447.3), dbSNP rs2464546848, ClinGen allele CA344111828.
Genomic context (GRCh38, chr1:201,072,760, plus strand): 5'-CACACCCCTACTTCACCCCAGCACCCTGCTCCAGTCCAGTCTCCAGCATCCTCACCTGGG[A>G]AGTCGGCTGAGGGGTAGGGATCCTTCACCTCATTGACATTAGATTCAAACTCATCGATTT-3'
Protein context (NP_000060.2, residues 731-751): EVKDPYPSAD[Phe741Ser]PGDDEEDEPE

ClinVar aggregate classification (germline): Uncertain significance (1 of 4 stars; one submission).

Conditions:
Malignant hyperthermia, susceptibility to, 5 (MHS5). Also called: CACNA1S-Related Malignant Hyperthermia Susceptibility. Identifiers: Orphanet 423, MedGen C1866077, MONDO:0011163, OMIM 601887.
Hypokalemic periodic paralysis, type 1. Also called: Hypokalemic Periodic Paralysis Type 1 (AD); HypoPP. Identifiers: Orphanet 681, MedGen C3714580, MONDO:0042979, OMIM 170400.

Submission:

Labcorp Genetics (formerly Invitae), Labcorp
Classification: Uncertain significance for Hypokalemic periodic paralysis, type 1; Malignant hyperthermia, susceptibility to, 5. Last evaluated: 2024-10-18. Review status: criteria provided, single submitter. Criteria: Invitae Variant Classification Sherloc (09022015). Collection method: clinical testing. Allele origin: germline.
Comment: This sequence change replaces phenylalanine, which is neutral and non-polar, with serine, which is neutral and polar, at codon 741 of the CACNA1S protein (p.Phe741Ser). This variant is not present in population databases (gnomAD no frequency). This variant has not been reported in the literature in individuals affected with CACNA1S-related conditions. Invitae Evidence Modeling of protein sequence and biophysical properties (such as structural, functional, and spatial information, amino acid conservation, physicochemical variation, residue mobility, and thermodynamic stability) indicates that this missense variant is not expected to disrupt CACNA1S protein function with a negative predictive value of 95%. In summary, the available evidence is currently insufficient to determine the role of this variant in disease. Therefore, it has been classified as a Variant of Uncertain Significance.